The following is an entry in ClinVar:

ClinVar aggregate classification (germline): Uncertain significance (1 of 4 stars; one submission).

Allele frequency attached by ClinVar (database versions not stated): gnomAD exomes below 0.00001.
gnomAD v4.1: 2 of 1,612,474 alleles (0.00012%); highest among the groups gnomAD compares: Non-Finnish European, 0.00017%; no homozygotes.

Submission:

Labcorp Genetics (formerly Invitae), Labcorp
Classification: Uncertain significance. Last evaluated: 2020-10-27. Review status: criteria provided, single submitter. Criteria: Invitae Variant Classification Sherloc (09022015). Collection method: clinical testing. Allele origin: germline.
Comment: In summary, the available evidence is currently insufficient to determine the role of this variant in disease. Therefore, it has been classified as a Variant of Uncertain Significance. Algorithms developed to predict the effect of missense changes on protein structure and function (SIFT, PolyPhen-2, Align-GVGD) all suggest that this variant is likely to be disruptive, but these predictions have not been confirmed by published functional studies and their clinical significance is uncertain. This variant has not been reported in the literature in individuals with WFS1-related conditions. This variant is not present in population databases (ExAC no frequency). This sequence change replaces tyrosine with serine at codon 528 of the WFS1 protein (p.Tyr528Ser). The tyrosine residue is highly conserved and there is a large physicochemical difference between tyrosine and serine.

NM_006005.3(WFS1):c.1583A>C (p.Tyr528Ser)

Gene: WFS1 (wolframin ER transmembrane glycoprotein; plus strand). Cytogenetic location: 4p16.1.
Variant type: single nucleotide variant.
Coding change: c.1583A>C on transcript NM_006005.3 (MANE Select); coding-DNA position 1583, A replaced by C.
Protein change: p.Tyr528Ser; replaces tyrosine 528 with serine.
Molecular consequence: missense variant.
Genome position (GRCh38, 1-based): chr4:6,301,378, A>C. VCF-style: chr4-6301378-A-C. GRCh37 (hg19) VCF-style: chr4-6303105-A-C.
Other names: c.1583A>C, p.Tyr528Ser (NM_001145853.1); short protein forms Y528S.
Identifiers: ClinVar variation 1469296 (VCV001469296.8), dbSNP rs1396020735, ClinGen allele CA356176109.